The following is an entry in ClinVar:

ClinVar aggregate classification (germline): Pathogenic. Review status: criteria provided, multiple submitters, no conflicts (2 of 4 stars). 5 submissions from 5 submitters: Pathogenic (4). 1 of the submissions does not count toward it. Last evaluated 2023-12-01.

Conditions:
ZFYVE26-related disorder. Also called: ZFYVE26-related condition.
Spastic paraplegia. Identifiers: MedGen C0037772, HP:0001258.
Hereditary spastic paraplegia 15 (SPG15). Also called: SPASTIC PARAPLEGIA 15, AUTOSOMAL RECESSIVE; SPASTIC PARAPLEGIA AND RETINAL DEGENERATION; KJELLIN SYNDROME. Identifiers: Orphanet 100996, MedGen C1849128, MONDO:0010044, OMIM 270700.

gnomAD v4.1: 7 of 1,614,092 alleles (0.00043%); highest among the groups gnomAD compares: Non-Finnish European, 0.00051%; no homozygotes.

Submissions (5):

Labcorp Genetics (formerly Invitae), Labcorp
Classification: Pathogenic for Spastic paraplegia. Last evaluated: 2023-12-01. Review status: criteria provided, single submitter. Criteria: Invitae Variant Classification Sherloc (09022015). Collection method: clinical testing. Allele origin: germline.
Comment: This sequence change creates a premature translational stop signal (p.Arg780*) in the ZFYVE26 gene. It is expected to result in an absent or disrupted protein product. Loss-of-function variants in ZFYVE26 are known to be pathogenic (PMID: 18394578, 19805727). This variant is not present in population databases (gnomAD no frequency). This premature translational stop signal has been observed in individual(s) with clinical features of hereditary spastic paraplegia (PMID: 25497598). ClinVar contains an entry for this variant (Variation ID: 555834). Algorithms developed to predict the effect of sequence changes on RNA splicing suggest that this variant may disrupt the consensus splice site. For these reasons, this variant has been classified as Pathogenic.

Dasa
Classification: Pathogenic for Hereditary spastic paraplegia 15. Last evaluated: 2022-03-05. Review status: criteria provided, single submitter. Criteria: ACMG Guidelines, 2015. Collection method: clinical testing. Allele origin: germline. Affected: yes. Observed: 1 variant allele.
Comment: The c.2338C>T;p.(Arg780*) variant creates a premature translational stop signal in the ZFYVE26 gene. It is expected to result in an absent or disrupted protein product - PVS1. This sequence change has been observed in affected individual(s) and ClinVar contains an entry for this variant (PMID: 25497598) - PS4_supporting. This variant is not present in population databases (rs941230062- gnomAD; ABraOM no frequency) - PM2. The p.(Arg780*) was detected in trans with a pathogenic variant (PMID: 25497598) - PM3. In summary, the currently available evidence indicates that the variant is pathogenic.

Revvity Omics, Revvity
Classification: Pathogenic for Hereditary spastic paraplegia 15. Last evaluated: 2021-01-22. Review status: criteria provided, single submitter. Criteria: ACMG Guidelines, 2015. Collection method: clinical testing. Allele origin: germline.

Blueprint Genetics
Classification: Pathogenic for ZFYVE26-related disorders. Last evaluated: 2021-01-18. Review status: criteria provided, single submitter. Criteria: ACMG Guidelines, 2015. Collection method: clinical testing. Allele origin: germline. Affected: yes. Observed: 1 variant allele.

Counsyl
Classification: Likely pathogenic for Hereditary spastic paraplegia 15. Last evaluated: 2017-12-22. Review status: no assertion criteria provided. Collection method: clinical testing. Allele origin: unknown. Not counted in ClinVar's aggregate classification.

Literature cited by the submitters: PubMed 18394578 (cited by Labcorp Genetics (formerly Invitae), Labcorp); PubMed 19805727 (cited by Labcorp Genetics (formerly Invitae), Labcorp); PubMed 25497598 (cited by 3 submitters).

NM_015346.4(ZFYVE26):c.2338C>T (p.Arg780Ter)

Gene: ZFYVE26 (zinc finger FYVE-type containing 26; minus strand). Cytogenetic location: 14q24.1.
Variant type: single nucleotide variant.
Coding change: c.2338C>T on transcript NM_015346.4 (MANE Select); coding-DNA position 2338, C replaced by T.
Protein change: p.Arg780Ter; replaces arginine 780 with a stop codon.
Molecular consequence: nonsense.
Genome position (GRCh38, 1-based): chr14:67,794,234, G>A on the plus strand (C>T on the coding strand, the complement: ZFYVE26 is on the minus strand). VCF-style: chr14-67794234-G-A. GRCh37 (hg19) VCF-style: chr14-68260951-G-A.
Other names: short protein forms R780*.
Identifiers: ClinVar variation 555834 (VCV000555834.17), dbSNP rs941230062, ClinGen allele CA390174656.
Genomic context (GRCh38, chr14:67,794,234, plus strand): 5'-ACGTACTTGTGCTCAGCTCACTACTTGTACTTTCCAGGGATGGGTTTGAACCTCTGTCTC[G>A]GCCATCTACAGGTATTGGGAAGAAGAGAGAAAGTCAATTATCAGCTCCTTATAGAGTAGG-3'